The following is an entry in ClinVar:

ClinVar aggregate classification (germline): Benign/Likely benign. Review status: criteria provided, multiple submitters, no conflicts (2 of 4 stars). 8 submissions from 8 submitters: Benign (6); Likely benign (2). Last evaluated 2026-02-02.

Conditions:
Cardiovascular phenotype. Identifiers: MedGen CN230736.
Ehlers-Danlos syndrome (EDS). Identifiers: Orphanet 98249, MedGen C0013720, MONDO:0020066.
Brittle cornea syndrome 1 (BCS1). Also called: CORNEAL FRAGILITY, KERATOGLOBUS, BLUE SCLERAE, JOINT HYPEREXTENSIBILITY; EDS6B; FRAGILITAS OCULI WITH JOINT HYPEREXTENSIBILITY; DYSGENESIS MESODERMALIS CORNEAE ET SCLERAE; Corneal fragility keratoglobus, blue sclerae AND joint hypermobility. Identifiers: Orphanet 90354, MedGen C0268344, MONDO:0024543, OMIM 229200.

Allele frequency attached by ClinVar (database versions not stated): ExAC 0.00111; gnomAD exomes 0.00443; 1000 Genomes Project 0.01977; gnomAD 0.01993 and 0.02154; TOPMed 0.02154.
gnomAD v4.1: 5,686 of 1,512,804 alleles (0.38%); highest among the groups gnomAD compares: African/African-American, 6.9%; 183 homozygotes.

Submissions (8):

Labcorp Genetics (formerly Invitae), Labcorp
Classification: Likely benign. Last evaluated: 2026-02-02. Review status: criteria provided, single submitter. Criteria: Invitae Variant Classification Sherloc (09022015). Collection method: clinical testing. Allele origin: germline.

Women's Health and Genetics/Laboratory Corporation of America, LabCorp
Classification: Benign. Last evaluated: 2026-01-22. Review status: criteria provided, single submitter. Criteria: LabCorp Variant Classification Summary - May 2015. Collection method: clinical testing. Allele origin: germline.

Mayo Clinic Laboratories, Mayo Clinic
Classification: Benign. Last evaluated: 2023-01-23. Review status: criteria provided, single submitter. Criteria: ACMG Guidelines, 2015. Collection method: clinical testing. Allele origin: germline. Observed: 21 variant alleles.

Genome-Nilou Lab
Classification: Benign for Brittle cornea syndrome 1. Last evaluated: 2021-12-05. Review status: criteria provided, single submitter. Criteria: ACMG Guidelines, 2015. Collection method: clinical testing. Allele origin: germline. Affected: no.

Ambry Genetics
Classification: Benign for Cardiovascular phenotype. Last evaluated: 2019-04-19. Review status: criteria provided, single submitter. Criteria: Ambry Variant Classification Scheme 2023. Collection method: clinical testing. Allele origin: germline.

Genome Diagnostics Laboratory, The Hospital for Sick Children
Classification: Benign for Ehlers-Danlos syndrome. Last evaluated: 2018-11-01. Review status: criteria provided, single submitter. Criteria: ACMG Guidelines, 2015. Collection method: clinical testing. Allele origin: germline.

GeneDx
Classification: Benign. Last evaluated: 2016-10-20. Review status: criteria provided, single submitter. Criteria: GeneDx Variant Classification (06012015). Collection method: clinical testing. Allele origin: germline. Affected: yes.
Comment: This variant is considered likely benign or benign based on one or more of the following criteria: it is a conservative change, it occurs at a poorly conserved position in the protein, it is predicted to be benign by multiple in silico algorithms, and/or has population frequency not consistent with disease.

Breakthrough Genomics
Classification: Likely benign. Review status: criteria provided, single submitter. Criteria: ACMG Guidelines, 2015. Collection method: not provided. Allele origin: germline. Inheritance: Autosomal recessive inheritance. Affected: yes.

NM_001367624.2(ZNF469):c.2913C>A (p.Gly971=)

Gene: ZNF469 (zinc finger protein 469; plus strand). Cytogenetic location: 16q24.2.
Variant type: single nucleotide variant.
Coding change: c.2913C>A on transcript NM_001367624.2 (MANE Select); coding-DNA position 2913, C replaced by A.
Protein change: p.Gly971=; no amino-acid change (glycine 971 retained).
Molecular consequence: synonymous variant.
Genome position (GRCh38, 1-based): chr16:88,430,383, C>A. VCF-style: chr16-88430383-C-A. GRCh37 (hg19) VCF-style: chr16-88496791-C-A.
Other names: NM_001127464.1:c.2913C>A; NM_001127464.2:c.2913C>A; p.Gly971=.
Identifiers: ClinVar variation 320895 (VCV000320895.21), dbSNP rs60462217, ClinGen allele CA8224813.
Genomic context (GRCh38, chr16:88,430,383, plus strand): 5'-GAAGCTGTTCCGGAAGGATCTGGACTCGGGCGGCGCAGCAGAGGGGTCGGGGTCGGGCGG[C>A]GGCGGCAGAGCCTCCGGCCTGAGGCCCCGGAGGAACGACGGTCTCGGGGAGCGGCCCCCA-3'
Protein context (NP_001354553.1, residues 961-981): GGAAEGSGSG[Gly971=]GGRASGLRPR